The following is an entry in ClinVar:

ClinVar aggregate classification (germline): Uncertain significance (1 of 4 stars; one submission).

Submission:

Labcorp Genetics (formerly Invitae), Labcorp
Classification: Uncertain significance. Last evaluated: 2022-04-13. Review status: criteria provided, single submitter. Criteria: Invitae Variant Classification Sherloc (09022015). Collection method: clinical testing. Allele origin: germline.
Comment: In summary, the available evidence is currently insufficient to determine the role of this variant in disease. Therefore, it has been classified as a Variant of Uncertain Significance. Algorithms developed to predict the effect of missense changes on protein structure and function are either unavailable or do not agree on the potential impact of this missense change (SIFT: "Deleterious"; PolyPhen-2: "Benign"; Align-GVGD: "Class C0"). This variant has not been reported in the literature in individuals affected with SLC30A10-related conditions. This variant is not present in population databases (gnomAD no frequency). This sequence change replaces glycine, which is neutral and non-polar, with valine, which is neutral and non-polar, at codon 165 of the SLC30A10 protein (p.Gly165Val).

NM_018713.3(SLC30A10):c.494G>T (p.Gly165Val)

Gene: SLC30A10 (solute carrier family 30 member 10; minus strand). Cytogenetic location: 1q41.
Variant type: single nucleotide variant.
Coding change: c.494G>T on transcript NM_018713.3 (MANE Select); coding-DNA position 494, G replaced by T.
Protein change: p.Gly165Val; replaces glycine 165 with valine.
Molecular consequence: missense variant. On other transcripts: non-coding transcript variant (1), intron variant (1).
Genome position (GRCh38, 1-based): chr1:219,927,947, C>A on the plus strand (G>T on the coding strand, the complement: SLC30A10 is on the minus strand). VCF-style: chr1-219927947-C-A. GRCh37 (hg19) VCF-style: chr1-220101289-C-A.
Other names: c.-220G>T (NM_001416005.1); c.452-842G>T (NM_001376929.1); short protein forms G165V.
Identifiers: ClinVar variation 2125813 (VCV002125813.3), dbSNP rs759811824, ClinGen allele CA344733514.